The following is an entry in ClinVar:

ClinVar aggregate classification (germline): Uncertain significance. Review status: criteria provided, multiple submitters, no conflicts (2 of 4 stars). 2 submissions from 2 submitters: Uncertain significance (2). Last evaluated 2026-03-24.

Allele frequency attached by ClinVar (database versions not stated): ExAC 0.00001; gnomAD exomes 0.00001; TOPMed 0.00001; gnomAD 0.00002.
gnomAD v4.1: 13 of 1,613,966 alleles (0.00081%); highest among the groups gnomAD compares: African/African-American, 0.0013%; no homozygotes.

Submissions (3):

GeneDx
Classification: Uncertain significance. Last evaluated: 2026-03-24. Review status: criteria provided, single submitter. Criteria: GeneDx Variant Classification Process June 2021. Collection method: clinical testing. Allele origin: germline.
Comment: In silico analysis supports that this missense variant has a deleterious effect on protein structure/function; Has not been previously published as pathogenic or benign to our knowledge

Eurofins Ntd Llc (ga)
Classification: Uncertain significance. Last evaluated: 2014-01-09. Review status: criteria provided, single submitter. Criteria: EGL Classification Definitions 2015. Collection method: clinical testing. Allele origin: germline. Observed: 1 variant allele, 1 heterozygote.

Dr. Peter K. Rogan Lab, Western University
No classification provided (evidence only). Condition: Familial prostate cancer. Review status: no classification provided. Collection method: in vitro. Allele origin: not applicable. Functional consequence: retained intron. Not counted in ClinVar's aggregate classification.

NM_001008216.2(GALE):c.898C>T (p.Arg300Trp)

Gene: GALE (UDP-galactose-4-epimerase; minus strand). Cytogenetic location: 1p36.11.
Variant type: single nucleotide variant.
Coding change: c.898C>T on transcript NM_001008216.2 (MANE Select); coding-DNA position 898, C replaced by T.
Protein change: p.Arg300Trp; replaces arginine 300 with tryptophan.
Molecular consequence: missense variant.
Genome position (GRCh38, 1-based): chr1:23,796,241, G>A on the plus strand (C>T on the coding strand, the complement: GALE is on the minus strand). VCF-style: chr1-23796241-G-A. GRCh37 (hg19) VCF-style: chr1-24122731-G-A.
Other names: NC_000001.10:g.24122731G>A; c.898C>T (NM_000403.3); c.898C>T, p.Arg300Trp (NM_000403.4, NM_001127621.2); short protein forms R300W.
Identifiers: ClinVar variation 167120 (VCV000167120.8), dbSNP rs727503942, ClinGen allele CA234060.